The following is an entry in ClinVar:

ClinVar aggregate classification (germline): Pathogenic/Likely pathogenic. Review status: criteria provided, multiple submitters, no conflicts (2 of 4 stars). 11 submissions from 11 submitters: Pathogenic (5); Likely pathogenic (5). 1 of the submissions does not count toward it. Last evaluated 2025-12-24.

Conditions:
Hereditary cancer-predisposing syndrome. Also called: Hereditary neoplastic syndrome; Hereditary Cancer Syndrome; Neoplastic Syndromes, Hereditary; Tumor predisposition. Identifiers: Orphanet 140162, MedGen C0027672, MeSH D009386, MONDO:0015356.
Fanconi anemia (FA). Also called: Fanconi's anemia. Identifiers: Orphanet 84, MedGen C0015625, MeSH D005199, MONDO:0019391.
Fanconi anemia complementation group C (FANCC). Also called: FANCC-Related Fanconi Anemia; Fanconi anemia, group C; FANCONI PANCYTOPENIA, TYPE 3; FACC. Identifiers: Orphanet 84, MedGen C3468041, MONDO:0009213, OMIM 227645.

Allele frequency attached by ClinVar (database versions not stated): gnomAD exomes 0.00001; ExAC 0.00002; TOPMed 0.00002.
gnomAD v4.1: 19 of 1,613,928 alleles (0.0012%); highest among the groups gnomAD compares: Non-Finnish European, 0.0016%; no homozygotes.

Submissions (11):

Natera, Inc.
Classification: Likely pathogenic for Fanconi anemia. Last evaluated: 2025-12-24. Review status: criteria provided, single submitter. Criteria: Natera Variant Classification Schema (03/2026). Collection method: clinical testing. Allele origin: germline.
Comment: The c.535C>T variant in FANCC is a nonsense variant predicted to introduce a stop codon at amino acid 179. This variant is expected to result in nonsense mediated decay, truncation, or a dysfunctional protein product. This variant is rare in the general population with a frequency below the threshold expected for the associated phenotype(s). Given the available evidence, this variant is classified as Likely Pathogenic.

Labcorp Genetics (formerly Invitae), Labcorp
Classification: Pathogenic for Fanconi anemia. Last evaluated: 2025-08-29. Review status: criteria provided, single submitter. Criteria: Invitae Variant Classification Sherloc (09022015). Collection method: clinical testing. Allele origin: germline.
Comment: This sequence change creates a premature translational stop signal (p.Arg179*) in the FANCC gene. It is expected to result in an absent or disrupted protein product. Loss-of-function variants in FANCC are known to be pathogenic (PMID: 17924555). This variant is present in population databases (rs769039987, gnomAD 0.002%). This premature translational stop signal has been observed in individual(s) with familial breast cancer and ovarian cancer (PMID: 23028338, 26990548). ClinVar contains an entry for this variant (Variation ID: 235535). For these reasons, this variant has been classified as Pathogenic.

Fulgent Genetics
Classification: Pathogenic for Fanconi anemia complementation group C. Last evaluated: 2024-02-22. Review status: criteria provided, single submitter. Criteria: ACMG Guidelines, 2015. Collection method: clinical testing. Allele origin: germline.

Baylor Genetics
Classification: Pathogenic for Fanconi anemia complementation group C. Last evaluated: 2024-02-16. Review status: criteria provided, single submitter. Criteria: ACMG Guidelines, 2015. Collection method: clinical testing. Allele origin: unknown.

Ambry Genetics
Classification: Pathogenic for Hereditary cancer-predisposing syndrome. Last evaluated: 2022-05-05. Review status: criteria provided, single submitter. Criteria: Ambry Variant Classification Scheme 2023. Collection method: clinical testing. Allele origin: germline.
Comment: The p.R179* pathogenic mutation (also known as c.535C>T), located in coding exon 6 of the FANCC gene, results from a C to T substitution at nucleotide position 535. This changes the amino acid from an arginine to a stop codon within coding exon 6. This mutation was also identified in an individual undergoing reproductive carrier screening (Abuli A et al. Hum. Mutat. 2016 06;37(6):516-23). This variant is considered to be rare based on population cohorts in the Genome Aggregation Database (gnomAD). In addition to the clinical data in the literature, this alteration is expected to result in loss of function by premature protein truncation or nonsense-mediated mRNA decay. As such, this alteration is interpreted as a disease-causing mutation.

Revvity Omics, Revvity
Classification: Pathogenic for Fanconi anemia complementation group C. Last evaluated: 2019-02-19. Review status: criteria provided, single submitter. Criteria: ACMG Guidelines, 2015. Collection method: clinical testing. Allele origin: germline.

Eurofins Ntd Llc (ga)
Classification: Likely pathogenic. Last evaluated: 2018-06-04. Review status: criteria provided, single submitter. Criteria: EGL ClinVar v180209 classification definitions. Collection method: clinical testing. Allele origin: germline. Observed: 1 variant allele, 1 heterozygote.

GeneDx
Classification: Likely pathogenic. Last evaluated: 2016-09-02. Review status: criteria provided, single submitter. Criteria: GeneDx Variant Classification (06012015). Collection method: clinical testing. Allele origin: germline. Affected: yes.
Comment: This variant is denoted FANCC c.535C>T at the cDNA level and p.Arg179Ter (R179X) at the protein level. The substitution creates a nonsense variant, which changes an Arginine to a premature stop codon (CGA>TGA), and is predicted to cause loss of normal protein function through either protein truncation or nonsense-mediated mRNA decay. This variant was identified in a mother and daughter with ovarian and breast cancer respectively, but was absent in a second daughter who also had breast cancer (Thompson 2012). Based on currently available information, we consider this variant to be likely pathogenic.

Center for Pediatric Genomic Medicine, Children's Mercy Hospital and Clinics
Classification: Likely pathogenic. Last evaluated: 2016-04-29. Review status: criteria provided, single submitter. Criteria: ACMG Guidelines, 2015. Collection method: clinical testing. Allele origin: germline.

Juno Genomics, Hangzhou Juno Genomics, Inc
Classification: Likely pathogenic for Fanconi anemia complementation group C. Review status: criteria provided, single submitter. Criteria: ACMG Guidelines, 2015. Collection method: clinical testing. Allele origin: germline.
Comment: Null variant in a gene where loss of function (LOF) is a known mechanism of disease.;Absent from controls (or at extremely low frequency if recessive) in Genome Aggregation Database.

Counsyl
Classification: Likely pathogenic for Fanconi anemia complementation group C. Last evaluated: 2014-11-19. Review status: no assertion criteria provided. Collection method: clinical testing. Allele origin: unknown. Not counted in ClinVar's aggregate classification.

Literature cited by the submitters: PubMed 17924555 (cited by Labcorp Genetics (formerly Invitae), Labcorp); PubMed 23028338 (cited by Labcorp Genetics (formerly Invitae), Labcorp and Counsyl); PubMed 26990548 (cited by Labcorp Genetics (formerly Invitae), Labcorp).

NM_000136.3(FANCC):c.535C>T (p.Arg179Ter)

Genes: AOPEP (aminopeptidase O (putative); plus strand), FANCC (FA complementation group C; minus strand). Cytogenetic location: 9q22.32.
Variant type: single nucleotide variant.
Coding change: c.535C>T on transcript NM_000136.3 (MANE Select); coding-DNA position 535, C replaced by T.
Protein change: p.Arg179Ter; replaces arginine 179 with a stop codon.
Molecular consequence: nonsense.
Genome position (GRCh38, 1-based): chr9:95,150,074, G>A on the plus strand (C>T on the coding strand, the complement: FANCC is on the minus strand). VCF-style: chr9-95150074-G-A. GRCh37 (hg19) VCF-style: chr9-97912356-G-A.
Other names: c.535C>T, p.Arg179Ter (NM_001243743.2, NM_001243744.2); short protein forms R179*.
Identifiers: ClinVar variation 235535 (VCV000235535.33), dbSNP rs769039987, ClinGen allele CA5137697.